The following is an entry in ClinVar:

NM_001792.5(CDH2):c.6_7delinsTT (p.Arg3Trp)

Gene: CDH2 (cadherin 2; minus strand). Cytogenetic location: 18q12.1.
Variant type: Indel.
Coding change: c.6_7delinsTT on transcript NM_001792.5 (MANE Select); coding-DNA positions 6 to 7, CC replaced by TT.
Protein change: p.Arg3Trp; replaces arginine 3 with tryptophan.
Molecular consequence: missense variant.
Genome position (GRCh38, 1-based): chr18:28,177,016-28,177,017, GG replaced by AA on the plus strand (CC replaced by TT on the coding strand, the reverse complement: CDH2 is on the minus strand). VCF-style: chr18-28177016-GG-AA. GRCh37 (hg19) VCF-style: chr18-25756980-GG-AA.
Other names: short protein forms R3W.
Identifiers: ClinVar variation 1490420 (VCV001490420.6), dbSNP rs2144382527, ClinGen allele CA2573155166.
Genomic context (GRCh38, chr18:28,177,016, plus strand): 5'-CGCGTACCTGAAGCAGGGCCGCCAGCAGCGGCAGCAGGGTCCGCAGCGCTCCCGCTATCC[GG>AA]CACATGGAGGCGGAGAGGGGCCGAGCGAAGAGCCGGAGGAGGCGGCGGCGGCGGCGGCGG-3'
Protein context (NP_001783.2, residues 1-13): MC[Arg3Trp]IAGALRTLLP

ClinVar aggregate classification (germline): Uncertain significance (1 of 4 stars; one submission).

Submission:

Labcorp Genetics (formerly Invitae), Labcorp
Classification: Uncertain significance. Last evaluated: 2026-01-25. Review status: criteria provided, single submitter. Criteria: Invitae Variant Classification Sherloc (09022015). Collection method: clinical testing. Allele origin: germline.
Comment: This sequence change replaces arginine, which is basic and polar, with tryptophan, which is neutral and slightly polar, at codon 3 of the CDH2 protein (p.Arg3Trp). Information on the frequency of this variant in the gnomAD database is not available, as this variant may be reported differently in the database. This variant has not been reported in the literature in individuals affected with CDH2-related conditions. ClinVar contains an entry for this variant (Variation ID: 1490420). Experimental studies and prediction algorithms are not available or were not evaluated, and the functional significance of this variant is currently unknown. In summary, the available evidence is currently insufficient to determine the role of this variant in disease. Therefore, it has been classified as a Variant of Uncertain Significance.